The following is an entry in ClinVar:

NM_017671.5(FERMT1):c.532+1G>A

Gene: FERMT1 (FERM domain containing kindlin 1; minus strand). Cytogenetic location: 20p12.3.
Variant type: single nucleotide variant.
Coding change: c.532+1G>A on transcript NM_017671.5 (MANE Select); the canonical splice donor site of the intron after coding-DNA position 532, G replaced by A.
Molecular consequence: splice donor variant.
Genome position (GRCh38, 1-based): chr20:6,112,476, C>T on the plus strand (G>A on the coding strand, the complement: FERMT1 is on the minus strand). VCF-style: chr20-6112476-C-T. GRCh37 (hg19) VCF-style: chr20-6093123-C-T.
Identifiers: ClinVar variation 2182812 (VCV002182812.5), dbSNP rs943430432, ClinGen allele CA311229761.

ClinVar aggregate classification (germline): Likely pathogenic. Review status: criteria provided, multiple submitters, no conflicts (2 of 4 stars). 2 submissions from 2 submitters: Likely pathogenic (2). Last evaluated 2025-03-18.

Conditions:
FERMT1-related disorders.

Allele frequency attached by ClinVar (database versions not stated): TOPMed below 0.00001.
gnomAD v4.1: 9 of 1,613,564 alleles (0.00056%); highest among the groups gnomAD compares: East Asian, 0.013%; no homozygotes.

Submissions (2):

Labcorp Genetics (formerly Invitae), Labcorp
Classification: Likely pathogenic. Last evaluated: 2025-03-18. Review status: criteria provided, single submitter. Criteria: Invitae Variant Classification Sherloc (09022015). Collection method: clinical testing. Allele origin: germline.
Comment: This sequence change affects a donor splice site in intron 4 of the FERMT1 gene. It is expected to disrupt RNA splicing. Variants that disrupt the donor or acceptor splice site typically lead to a loss of protein function (PMID: 16199547), and loss-of-function variants in FERMT1 are known to be pathogenic (PMID: 14962093, 21936020). This variant is present in population databases (no rsID available, gnomAD 0.01%). This variant has not been reported in the literature in individuals affected with FERMT1-related conditions. ClinVar contains an entry for this variant (Variation ID: 2182812). Algorithms developed to predict the effect of sequence changes on RNA splicing suggest that this variant may disrupt the consensus splice site. In summary, the currently available evidence indicates that the variant is pathogenic, but additional data are needed to prove that conclusively. Therefore, this variant has been classified as Likely Pathogenic.

Blueprint Genetics
Classification: Likely pathogenic for FERMT1-related disorders. Last evaluated: 2021-02-17. Review status: criteria provided, single submitter. Criteria: ACMG Guidelines, 2015. Collection method: clinical testing. Allele origin: germline. Affected: yes. Observed: 1 variant allele.

Literature cited by the submitters: PubMed 16199547 (cited by Labcorp Genetics (formerly Invitae), Labcorp); PubMed 14962093 (cited by Labcorp Genetics (formerly Invitae), Labcorp); PubMed 21936020 (cited by Labcorp Genetics (formerly Invitae), Labcorp).